The following is an entry in ClinVar:

NM_004260.4(RECQL4):c.365C>T (p.Ala122Val)

Gene: RECQL4 (RecQ like helicase 4; minus strand). Cytogenetic location: 8q24.3.
Variant type: single nucleotide variant.
Coding change: c.365C>T on transcript NM_004260.4 (MANE Select); coding-DNA position 365, C replaced by T.
Protein change: p.Ala122Val; replaces alanine 122 with valine.
Molecular consequence: missense variant.
Genome position (GRCh38, 1-based): chr8:144,516,754, G>A on the plus strand (C>T on the coding strand, the complement: RECQL4 is on the minus strand). VCF-style: chr8-144516754-G-A. GRCh37 (hg19) VCF-style: chr8-145742138-G-A.
Other names: c.365C>T, p.Ala122Val (NM_001413017.1, NM_001413018.1, NM_001413019.1 and 4 more transcripts); c.-707C>T (NM_001413022.1, NM_001413023.1, NM_001413037.1 and 3 more transcripts); c.236C>T, p.Ala79Val (NM_001413025.1); c.-769C>T (NM_001413027.1, NM_001413030.1, NM_001413031.1 and 1 more transcripts); c.-432C>T (NM_001413028.1); c.-611C>T (NM_001413034.1); c.-976C>T (NM_001413043.1); c.365C>T (NM_004260.3); short protein forms A79V, A122V.
Identifiers: ClinVar variation 1985003 (VCV001985003.5), dbSNP rs761683428, ClinGen allele CA4949316.

ClinVar aggregate classification (germline): Uncertain significance. Review status: criteria provided, multiple submitters, no conflicts (2 of 4 stars). 2 submissions from 2 submitters: Uncertain significance (2). Last evaluated 2025-11-11.

Conditions:
Baller-Gerold syndrome (BGS). Also called: CRANIOSYNOSTOSIS WITH RADIAL DEFECTS. Identifiers: Orphanet 1225, MedGen C0265308, MONDO:0009039, OMIM 218600.
Inborn genetic diseases. Identifiers: MedGen C0950123, MeSH D030342.

gnomAD v4.1: 2 of 1,523,012 alleles (0.00013%); highest among the groups gnomAD compares: Non-Finnish European, 0.000088%; no homozygotes.

Submissions (2):

Ambry Genetics
Classification: Uncertain significance for Inborn genetic diseases. Last evaluated: 2025-11-11. Review status: criteria provided, single submitter. Criteria: Ambry Variant Classification Scheme 2023. Collection method: clinical testing. Allele origin: germline.
Comment: The p.A122V variant (also known as c.365C>T), located in coding exon 5 of the RECQL4 gene, results from a C to T substitution at nucleotide position 365. The alanine at codon 122 is replaced by valine, an amino acid with similar properties. This amino acid position is conserved. In addition, this alteration is predicted to be tolerated by in silico analysis. Based on the available evidence, the clinical significance of this variant remains unclear.

Labcorp Genetics (formerly Invitae), Labcorp
Classification: Uncertain significance for Baller-Gerold syndrome. Last evaluated: 2022-03-27. Review status: criteria provided, single submitter. Criteria: Invitae Variant Classification Sherloc (09022015). Collection method: clinical testing. Allele origin: germline.
Comment: This variant is present in population databases (rs761683428, gnomAD 0.001%). This sequence change replaces alanine, which is neutral and non-polar, with valine, which is neutral and non-polar, at codon 122 of the RECQL4 protein (p.Ala122Val). This variant has not been reported in the literature in individuals affected with RECQL4-related conditions. In summary, the available evidence is currently insufficient to determine the role of this variant in disease. Therefore, it has been classified as a Variant of Uncertain Significance. Experimental studies and prediction algorithms are not available or were not evaluated, and the functional significance of this variant is currently unknown.